The following is an entry in ClinVar:

ClinVar aggregate classification (germline): Uncertain significance. Review status: criteria provided, multiple submitters, no conflicts (2 of 4 stars). 2 submissions from 2 submitters: Uncertain significance (2). Last evaluated 2025-09-10.

Conditions:
Cardiomyopathy (CMYO). Also called: Cardiomyopathies. Identifiers: Orphanet 167848, MedGen C0878544, MONDO:0004994, HP:0001638. Inheritance: Various modes of inheritance.
Hypertrophic cardiomyopathy. Also called: HYPERTROPHIC MYOCARDIOPATHY. Identifiers: Orphanet 217569, MedGen C0007194, MeSH D002312, MONDO:0005045, HP:0001639.

Allele frequency attached by ClinVar (database versions not stated): gnomAD exomes below 0.00001.

Submissions (2):

Labcorp Genetics (formerly Invitae), Labcorp
Classification: Uncertain significance for Hypertrophic cardiomyopathy. Last evaluated: 2025-09-10. Review status: criteria provided, single submitter. Criteria: Invitae Variant Classification Sherloc (09022015). Collection method: clinical testing. Allele origin: germline.
Comment: This sequence change replaces threonine, which is neutral and polar, with alanine, which is neutral and non-polar, at codon 786 of the MYH7 protein (p.Thr786Ala). This variant is not present in population databases (gnomAD no frequency). This missense change has been observed in individual(s) with primary fibrotic atrial cardiomyopathy (PMID: 35063694). ClinVar contains an entry for this variant (Variation ID: 924385). Invitae Evidence Modeling of protein sequence and biophysical properties (such as structural, functional, and spatial information, amino acid conservation, physicochemical variation, residue mobility, and thermodynamic stability) indicates that this missense variant is expected to disrupt MYH7 protein function with a positive predictive value of 95%. In summary, the available evidence is currently insufficient to determine the role of this variant in disease. Therefore, it has been classified as a Variant of Uncertain Significance.

Color Diagnostics, LLC DBA Color Health
Classification: Uncertain significance for Cardiomyopathy. Last evaluated: 2019-11-11. Review status: criteria provided, single submitter. Criteria: ACMG Guidelines, 2015. Collection method: clinical testing. Allele origin: germline.
Comment: This missense variant replaces threonine with alanine at codon 786 of the MYH7 protein. Computational prediction suggests that this variant may have deleterious impact on protein structure and function (internally defined REVEL score threshold >= 0.7, PMID: 27666373). Splice site prediction tools suggest that this variant may not impact RNA splicing. To our knowledge, functional studies have not been performed for this variant. This variant has not been reported in individuals affected with cardiovascular disorders in the literature. This variant has not been identified in the general population by the Genome Aggregation Database (gnomAD). The available evidence is insufficient to determine the role of this variant in disease conclusively. Therefore, this variant is classified as a Variant of Uncertain Significance.

Literature cited by the submitters: PubMed 35063694 (cited by Labcorp Genetics (formerly Invitae), Labcorp).

NM_000257.4(MYH7):c.2356A>G (p.Thr786Ala)

Genes: MYH7 (myosin heavy chain 7; minus strand), LOC126861898 (BRD4-independent group 4 enhancer GRCh37_chr14:23893609-23894808; plus strand). Cytogenetic location: 14q11.2.
Variant type: single nucleotide variant.
Coding change: c.2356A>G on transcript NM_000257.4 (MANE Select); coding-DNA position 2356, A replaced by G.
Protein change: p.Thr786Ala; replaces threonine 786 with alanine.
Molecular consequence: missense variant.
Genome position (GRCh38, 1-based): chr14:23,425,349, T>C on the plus strand (A>G on the coding strand, the complement: MYH7 is on the minus strand). VCF-style: chr14-23425349-T-C. GRCh37 (hg19) VCF-style: chr14-23894558-T-C.
Other names: short protein forms T786A.
Identifiers: ClinVar variation 924385 (VCV000924385.4), dbSNP rs1892652051, ClinGen allele CA389048585.
Genomic context (GRCh38, chr14:23,425,349, plus strand): 5'-CCAGCAGCTTTTTGTACTCCATTCTGGCGAGCACACCTCGGGACTGGGCCTGGATACGCG[T>C]GATGATGCGGCTCAGCCTCTCGTCCCTCATTTCCTCCAGCAGCCCCAGCAGCCCGGCCTT-3'
Protein context (NP_000248.2, residues 776-796): MRDERLSRII[Thr786Ala]RIQAQSRGVL